The following is an entry in ClinVar:

NM_005529.7(HSPG2):c.8827G>C (p.Asp2943His)

Gene: HSPG2 (heparan sulfate proteoglycan 2; minus strand). Cytogenetic location: 1p36.12.
Variant type: single nucleotide variant.
Coding change: c.8827G>C on transcript NM_005529.7 (MANE Select); coding-DNA position 8827, G replaced by C.
Protein change: p.Asp2943His; replaces aspartic acid 2943 with histidine.
Molecular consequence: missense variant.
Genome position (GRCh38, 1-based): chr1:21,842,853, C>G on the plus strand (G>C on the coding strand, the complement: HSPG2 is on the minus strand). VCF-style: chr1-21842853-C-G. GRCh37 (hg19) VCF-style: chr1-22169346-C-G.
Other names: c.8830G>C, p.Asp2944His (NM_001291860.2); short protein forms D2943H, D2944H.
Identifiers: ClinVar variation 4805564 (VCV004805564.1).

ClinVar aggregate classification (germline): Uncertain significance (1 of 4 stars; one submission).

gnomAD v4.1: 8 of 1,614,120 alleles (0.0005%); highest among the groups gnomAD compares: East Asian, 0.0089%; no homozygotes.

Submission:

Labcorp Genetics (formerly Invitae), Labcorp
Classification: Uncertain significance. Last evaluated: 2025-06-03. Review status: criteria provided, single submitter. Criteria: Invitae Variant Classification Sherloc (09022015). Collection method: clinical testing. Allele origin: germline.
Comment: This sequence change replaces aspartic acid, which is acidic and polar, with histidine, which is basic and polar, at codon 2943 of the HSPG2 protein (p.Asp2943His). This variant is not present in population databases (gnomAD no frequency). This variant has not been reported in the literature in individuals affected with HSPG2-related conditions. An algorithm developed to predict the effect of missense changes on protein structure and function (PolyPhen-2) suggests that this variant is likely to be disruptive. In summary, the available evidence is currently insufficient to determine the role of this variant in disease. Therefore, it has been classified as a Variant of Uncertain Significance.